The following is an entry in ClinVar:

ClinVar aggregate classification (germline): Uncertain significance (1 of 4 stars; one submission).

Allele frequency attached by ClinVar (database versions not stated): gnomAD exomes below 0.00001.
gnomAD v4.1: 1 of 1,613,770 alleles (0.000062%); highest among the groups gnomAD compares: Non-Finnish European, 0.000085%; no homozygotes.

Submission:

Labcorp Genetics (formerly Invitae), Labcorp
Classification: Uncertain significance. Last evaluated: 2025-01-15. Review status: criteria provided, single submitter. Criteria: Invitae Variant Classification Sherloc (09022015). Collection method: clinical testing. Allele origin: germline.
Comment: This sequence change replaces phenylalanine, which is neutral and non-polar, with leucine, which is neutral and non-polar, at codon 245 of the AGBL5 protein (p.Phe245Leu). This variant is not present in population databases (gnomAD no frequency). This missense change has been observed in individual(s) with retinitis pigmentosa (internal data). In at least one individual the data is consistent with being in trans (on the opposite chromosome) from a pathogenic variant. ClinVar contains an entry for this variant (Variation ID: 1998422). An algorithm developed to predict the effect of missense changes on protein structure and function (PolyPhen-2) suggests that this variant is likely to be disruptive. In summary, the available evidence is currently insufficient to determine the role of this variant in disease. Therefore, it has been classified as a Variant of Uncertain Significance.

NM_021831.6(AGBL5):c.733T>C (p.Phe245Leu)

Gene: AGBL5 (AGBL carboxypeptidase 5; plus strand). Cytogenetic location: 2p23.3.
Variant type: single nucleotide variant.
Coding change: c.733T>C on transcript NM_021831.6 (MANE Select); coding-DNA position 733, T replaced by C.
Protein change: p.Phe245Leu; replaces phenylalanine 245 with leucine.
Molecular consequence: missense variant. On other transcripts: non-coding transcript variant (2).
Genome position (GRCh38, 1-based): chr2:27,055,078, T>C. VCF-style: chr2-27055078-T-C. GRCh37 (hg19) VCF-style: chr2-27277946-T-C.
Other names: c.733T>C, p.Phe245Leu (NM_001035506.1, NM_001035507.3); short protein forms F245L.
Identifiers: ClinVar variation 1998422 (VCV001998422.4), dbSNP rs2465454344, ClinGen allele CA346174705.